The following is an entry in ClinVar:

ClinVar aggregate classification (germline): Uncertain significance (1 of 4 stars; one submission).

Submission:

Labcorp Genetics (formerly Invitae), Labcorp
Classification: Uncertain significance. Last evaluated: 2024-06-19. Review status: criteria provided, single submitter. Criteria: Invitae Variant Classification Sherloc (09022015). Collection method: clinical testing. Allele origin: germline.
Comment: This sequence change replaces glycine, which is neutral and non-polar, with aspartic acid, which is acidic and polar, at codon 484 of the COL9A3 protein (p.Gly484Asp). This variant is not present in population databases (gnomAD no frequency). This variant has not been reported in the literature in individuals affected with COL9A3-related conditions. Advanced modeling of protein sequence and biophysical properties (such as structural, functional, and spatial information, amino acid conservation, physicochemical variation, residue mobility, and thermodynamic stability) performed at Invitae indicates that this missense variant is expected to disrupt COL9A3 protein function with a positive predictive value of 95%. In summary, the available evidence is currently insufficient to determine the role of this variant in disease. Therefore, it has been classified as a Variant of Uncertain Significance.

NM_001853.4(COL9A3):c.1451G>A (p.Gly484Asp)

Genes: COL9A3 (collagen type IX alpha 3 chain; plus strand), LOC126863084 (MED14-independent group 3 enhancer GRCh37_chr20:61467141-61468340; plus strand). Cytogenetic location: 20q13.33.
Variant type: single nucleotide variant.
Coding change: c.1451G>A on transcript NM_001853.4 (MANE Select); coding-DNA position 1451, G replaced by A.
Protein change: p.Gly484Asp; replaces glycine 484 with aspartic acid.
Molecular consequence: missense variant.
Genome position (GRCh38, 1-based): chr20:62,836,236, G>A. VCF-style: chr20-62836236-G-A. GRCh37 (hg19) VCF-style: chr20-61467588-G-A.
Other names: short protein forms G484D.
Identifiers: ClinVar variation 3718727 (VCV003718727.2).